The following is an entry in ClinVar:

NM_001397.3(ECE1):c.242T>C (p.Val81Ala)

Gene: ECE1 (endothelin converting enzyme 1; minus strand). Cytogenetic location: 1p36.12.
Variant type: single nucleotide variant.
Coding change: c.242T>C on transcript NM_001397.3 (MANE Select); coding-DNA position 242, T replaced by C.
Protein change: p.Val81Ala; replaces valine 81 with alanine.
Molecular consequence: missense variant.
Genome position (GRCh38, 1-based): chr1:21,279,229, A>G on the plus strand (T>C on the coding strand, the complement: ECE1 is on the minus strand). VCF-style: chr1-21279229-A-G. GRCh37 (hg19) VCF-style: chr1-21605722-A-G.
Other names: c.206T>C, p.Val69Ala (NM_001113347.2); c.194T>C, p.Val65Ala (NM_001113348.2); c.233T>C, p.Val78Ala (NM_001113349.2); short protein forms V65A, V69A, V78A, V81A.
Identifiers: ClinVar variation 3375419 (VCV003375419.1).
Genomic context (GRCh38, chr1:21,279,229, plus strand): 5'-CATGCAACACGAAGGCACCTACTTGTCTGGTACTGGATGCCCAGTGCTGCCAAGCAGGCC[A>G]CCAGTCCTGCCGCCAGAAGTACCACCAACACCACCAGCCGCTTCTCCACCTGGGTCCGTG-3'
Protein context (NP_001388.1, residues 71-91): VLVVLLAAGL[Val81Ala]ACLAALGIQY

ClinVar aggregate classification (germline): Uncertain significance (1 of 4 stars; one submission).

gnomAD v4.1: 8 of 1,614,006 alleles (0.0005%); highest among the groups gnomAD compares: African/African-American, 0.008%; no homozygotes.

Submission:

Women's Health and Genetics/Laboratory Corporation of America, LabCorp
Classification: Uncertain significance. Last evaluated: 2024-09-18. Review status: criteria provided, single submitter. Criteria: LabCorp Variant Classification Summary - May 2015. Collection method: clinical testing. Allele origin: germline.
Comment: Variant summary: ECE1 c.242T>C (p.Val81Ala) results in a non-conservative amino acid change in the encoded protein sequence. Three of five in-silico tools predict a damaging effect of the variant on protein function. The variant allele was found at a frequency of 8e-06 in 251252 control chromosomes, predominantly at a frequency of 0.00012 within the African or African-American subpopulation in the gnomAD database. The available data on variant occurrences in the general population are insufficient to allow any conclusion about variant significance. To our knowledge, no occurrence of c.242T>C in individuals affected with Hirschsprung Disease, Cardiac Defects, And Autonomic Dysfunction and no experimental evidence demonstrating its impact on protein function have been reported. No submitters have cited clinical-significance assessments for this variant to ClinVar. Based on the evidence outlined above, the variant was classified as uncertain significance.